The following is an entry in ClinVar:

ClinVar aggregate classification (germline): Conflicting classifications of pathogenicity. Review status: criteria provided, conflicting classifications (1 of 4 stars). 3 submissions from 3 submitters: Uncertain significance (1); Benign (1); Likely benign (1). Last evaluated 2026-08-12.

Conditions:
Rubinstein-Taybi syndrome due to EP300 haploinsufficiency. Also called: RUBINSTEIN-TAYBI SYNDROME 2; EP300-Related Rubinstein-Taybi Syndrome. Identifiers: Orphanet 353284, Orphanet 783, MedGen C3150941, MONDO:0013364, OMIM 613684.
Inborn genetic diseases. Identifiers: MedGen C0950123, MeSH D030342.
EP300-related disorder. Also called: EP300-related disorders; EP300-related condition.

Allele frequency attached by ClinVar (database versions not stated): gnomAD 0.00001; TOPMed 0.00002; gnomAD exomes 0.00004; ExAC 0.00006.
gnomAD v4.1: 14 of 1,613,890 alleles (0.00087%); highest among the groups gnomAD compares: Admixed American, 0.015%; no homozygotes.

Submissions (3):

PreventionGenetics, part of Exact Sciences
Classification: Uncertain significance for EP300-related condition. Last evaluated: 2026-08-12. Review status: criteria provided, single submitter. Criteria: ACMG Guidelines, 2015. Collection method: clinical testing. Allele origin: germline.
Comment: The EP300 c.6352A>G variant is predicted to result in the amino acid substitution p.Met2118Val. To our knowledge, this variant has not been reported in the literature. This variant is reported in 0.023% of alleles in individuals of Latino descent in gnomAD, which may be too frequent to be a primary cause of disease. Although we suspect that this variant may be benign, at this time, the clinical significance of this variant is uncertain due to the absence of conclusive functional and genetic evidence.

Labcorp Genetics (formerly Invitae), Labcorp
Classification: Benign for Rubinstein-Taybi syndrome due to EP300 haploinsufficiency. Last evaluated: 2026-02-03. Review status: criteria provided, single submitter. Criteria: Invitae Variant Classification Sherloc (09022015). Collection method: clinical testing. Allele origin: germline.

Ambry Genetics
Classification: Likely benign for Inborn genetic diseases. Last evaluated: 2021-06-15. Review status: criteria provided, single submitter. Criteria: Ambry Variant Classification Scheme 2023. Collection method: clinical testing. Allele origin: germline.

NM_001429.4(EP300):c.6352A>G (p.Met2118Val)

Gene: EP300 (EP300 lysine acetyltransferase; plus strand). Cytogenetic location: 22q13.2.
Variant type: single nucleotide variant.
Coding change: c.6352A>G on transcript NM_001429.4 (MANE Select); coding-DNA position 6352, A replaced by G.
Protein change: p.Met2118Val; replaces methionine 2118 with valine.
Molecular consequence: missense variant.
Genome position (GRCh38, 1-based): chr22:41,178,063, A>G. VCF-style: chr22-41178063-A-G. GRCh37 (hg19) VCF-style: chr22-41574067-A-G.
Other names: c.6274A>G, p.Met2092Val (NM_001362843.2); c.6352A>G (NM_001429.3); short protein forms M2092V, M2118V.
Identifiers: ClinVar variation 1362797 (VCV001362797.11), dbSNP rs755381839, ClinGen allele CA10253836.